The following is an entry in ClinVar:

NM_007208.4(MRPL3):c.738+43A>G

Gene: MRPL3 (mitochondrial ribosomal protein L3; minus strand). Cytogenetic location: 3q22.1.
Variant type: single nucleotide variant.
Coding change: c.738+43A>G on transcript NM_007208.4 (MANE Select); 43 bases into the intron after coding-DNA position 738, A replaced by G.
Molecular consequence: intron variant.
Genome position (GRCh38, 1-based): chr3:131,471,128, T>C on the plus strand (A>G on the coding strand, the complement: MRPL3 is on the minus strand). VCF-style: chr3-131471128-T-C. GRCh37 (hg19) VCF-style: chr3-131189972-T-C.
Identifiers: ClinVar variation 675563 (VCV000675563.2), dbSNP rs80054800, ClinGen allele CA2616959.

ClinVar aggregate classification (germline): Benign. Review status: criteria provided, multiple submitters, no conflicts (2 of 4 stars). 2 submissions from 2 submitters: Benign (2). Last evaluated 2018-06-14.

Allele frequency attached by ClinVar (database versions not stated): gnomAD 0.03696; 1000 Genomes Project 0.04054; TOPMed 0.04289; 1000 Genomes Project 30x 0.04435; ESP Exome Variant Server 0.04799.
gnomAD v4.1: 10,845 of 1,352,712 alleles (0.8%); highest among the groups gnomAD compares: African/African-American, 13%; 652 homozygotes.

Submissions (2):

GeneDx
Classification: Benign. Last evaluated: 2018-06-14. Review status: criteria provided, single submitter. Criteria: GeneDx Variant Classification (06012015). Collection method: clinical testing. Allele origin: germline. Affected: yes.
Comment: This variant is considered likely benign or benign based on one or more of the following criteria: it is a conservative change, it occurs at a poorly conserved position in the protein, it is predicted to be benign by multiple in silico algorithms, and/or has population frequency not consistent with disease.

Breakthrough Genomics
Classification: Benign. Review status: criteria provided, single submitter. Criteria: ACMG Guidelines, 2015. Collection method: not provided. Allele origin: germline. Inheritance: Autosomal recessive inheritance. Affected: yes.